The following is an entry in ClinVar:

ClinVar aggregate classification (germline): Uncertain significance (1 of 4 stars; one submission).

Allele frequency attached by ClinVar (database versions not stated): gnomAD exomes below 0.00001.

Submission:

Labcorp Genetics (formerly Invitae), Labcorp
Classification: Uncertain significance. Last evaluated: 2022-06-04. Review status: criteria provided, single submitter. Criteria: Invitae Variant Classification Sherloc (09022015). Collection method: clinical testing. Allele origin: germline.
Comment: This sequence change replaces glutamine, which is neutral and polar, with histidine, which is basic and polar, at codon 233 of the OPN1SW protein (p.Gln233His). This variant is not present in population databases (gnomAD no frequency). This variant has not been reported in the literature in individuals affected with OPN1SW-related conditions. ClinVar contains an entry for this variant (Variation ID: 1423985). Algorithms developed to predict the effect of missense changes on protein structure and function are either unavailable or do not agree on the potential impact of this missense change (SIFT: "Deleterious"; PolyPhen-2: "Benign"; Align-GVGD: "Class C0"). In summary, the available evidence is currently insufficient to determine the role of this variant in disease. Therefore, it has been classified as a Variant of Uncertain Significance.

NM_001385125.1(OPN1SW):c.690G>T (p.Gln230His)

Gene: OPN1SW (opsin 1, short wave sensitive; minus strand). Cytogenetic location: 7q32.1.
Variant type: single nucleotide variant.
Coding change: c.690G>T on transcript NM_001385125.1 (MANE Select); coding-DNA position 690, G replaced by T.
Protein change: p.Gln230His; replaces glutamine 230 with histidine.
Molecular consequence: missense variant.
Genome position (GRCh38, 1-based): chr7:128,773,877, C>A on the plus strand (G>T on the coding strand, the complement: OPN1SW is on the minus strand). VCF-style: chr7-128773877-C-A. GRCh37 (hg19) VCF-style: chr7-128413931-C-A.
Other names: short protein forms Q230H.
Identifiers: ClinVar variation 1423985 (VCV001423985.6), dbSNP rs2128885823, ClinGen allele CA369218164.